The following is an entry in ClinVar:

ClinVar aggregate classification (germline): Uncertain significance (1 of 4 stars; one submission).

Conditions:
Hypertrophic cardiomyopathy. Also called: HYPERTROPHIC MYOCARDIOPATHY. Identifiers: Orphanet 217569, MedGen C0007194, MeSH D002312, MONDO:0005045, HP:0001639.

gnomAD v4.1: 2 of 1,614,092 alleles (0.00012%); highest among the groups gnomAD compares: East Asian, 0.0022%; no homozygotes.

Submission:

Labcorp Genetics (formerly Invitae), Labcorp
Classification: Uncertain significance for Hypertrophic cardiomyopathy. Last evaluated: 2024-08-22. Review status: criteria provided, single submitter. Criteria: Invitae Variant Classification Sherloc (09022015). Collection method: clinical testing. Allele origin: germline.
Comment: This sequence change replaces isoleucine, which is neutral and non-polar, with valine, which is neutral and non-polar, at codon 123 of the MYOZ2 protein (p.Ile123Val). This variant is not present in population databases (gnomAD no frequency). This variant has not been reported in the literature in individuals affected with MYOZ2-related conditions. Invitae Evidence Modeling of protein sequence and biophysical properties (such as structural, functional, and spatial information, amino acid conservation, physicochemical variation, residue mobility, and thermodynamic stability) indicates that this missense variant is expected to disrupt MYOZ2 protein function with a positive predictive value of 80%. In summary, the available evidence is currently insufficient to determine the role of this variant in disease. Therefore, it has been classified as a Variant of Uncertain Significance.

NM_016599.5(MYOZ2):c.367A>G (p.Ile123Val)

Gene: MYOZ2 (myozenin 2; plus strand). Cytogenetic location: 4q26.
Variant type: single nucleotide variant.
Coding change: c.367A>G on transcript NM_016599.5 (MANE Select); coding-DNA position 367, A replaced by G.
Protein change: p.Ile123Val; replaces isoleucine 123 with valine.
Molecular consequence: missense variant.
Genome position (GRCh38, 1-based): chr4:119,158,142, A>G. VCF-style: chr4-119158142-A-G. GRCh37 (hg19) VCF-style: chr4-120079297-A-G.
Other names: short protein forms I123V.
Identifiers: ClinVar variation 3663271 (VCV003663271.2).